The following is an entry in ClinVar:

ClinVar aggregate classification (germline): Likely benign. Review status: criteria provided, single submitter (1 of 4 stars). 2 submissions from 2 submitters: Likely benign (1). 1 of the submissions does not count toward it. Last evaluated 2024-11-27.

Conditions:
POLR2A-related disorder. Also called: POLR2A-related condition.

Allele frequency attached by ClinVar (database versions not stated): gnomAD exomes 0.00017; ExAC 0.00049; gnomAD 0.00169; TOPMed 0.00177; 1000 Genomes Project 0.00180; 1000 Genomes Project 30x 0.00203; ESP Exome Variant Server 0.00208.

Submissions (2):

Blueprint Genetics
Classification: Likely benign. Last evaluated: 2024-11-27. Review status: criteria provided, single submitter. Criteria: ACMG Guidelines, 2015. Collection method: clinical testing. Allele origin: germline.

PreventionGenetics, part of Exact Sciences
Classification: Benign for POLR2A-related condition. Last evaluated: 2020-01-17. Review status: no assertion criteria provided. Collection method: clinical testing. Allele origin: germline. Not counted in ClinVar's aggregate classification.
Comment: This variant is classified as benign based on ACMG/AMP sequence variant interpretation guidelines (Richards et al. 2015 PMID: 25741868, with internal and published modifications).

NM_000937.5(POLR2A):c.5625G>A (p.Ser1875=)

Gene: POLR2A (RNA polymerase II subunit A; plus strand). Cytogenetic location: 17p13.1.
Variant type: single nucleotide variant.
Coding change: c.5625G>A on transcript NM_000937.5 (MANE Select); coding-DNA position 5625, G replaced by A.
Protein change: p.Ser1875=; no amino-acid change (serine 1875 retained).
Molecular consequence: synonymous variant.
Genome position (GRCh38, 1-based): chr17:7,513,891, G>A. VCF-style: chr17-7513891-G-A. GRCh37 (hg19) VCF-style: chr17-7417208-G-A.
Identifiers: ClinVar variation 3052322 (VCV003052322.3), dbSNP rs138378417, ClinGen allele CA8350611.
Genomic context (GRCh38, chr17:7,513,891, plus strand): 5'-AACCTCTCCCAAGTACTCACCTACCAGTCCCAAATATTCACCCACCTCTCCCAAGTACTC[G>A]CCTACCAGTCCCACCTATTCACCCACCACCCCAAAATACTCCCCAACATCTCCTACTTAT-3'
Protein context (NP_000928.1, residues 1865-1885): PKYSPTSPKY[Ser1875=]PTSPTYSPTT